The following is an entry in ClinVar:

NM_018136.5(ASPM):c.7452A>G (p.Ala2484=)

Gene: ASPM (assembly factor for spindle microtubules; minus strand). Cytogenetic location: 1q31.3.
Variant type: single nucleotide variant.
Coding change: c.7452A>G on transcript NM_018136.5 (MANE Select); coding-DNA position 7452, A replaced by G.
Protein change: p.Ala2484=; no amino-acid change (alanine 2484 retained).
Molecular consequence: synonymous variant. On other transcripts: intron variant (1).
Genome position (GRCh38, 1-based): chr1:197,101,799, T>C on the plus strand (A>G on the coding strand, the complement: ASPM is on the minus strand). VCF-style: chr1-197101799-T-C. GRCh37 (hg19) VCF-style: chr1-197070929-T-C.
Other names: c.4066-5635A>G (NM_001206846.2).
Identifiers: ClinVar variation 774588 (VCV000774588.12), dbSNP rs145884637, ClinGen allele CA1309401.

ClinVar aggregate classification (germline): Likely benign. Review status: criteria provided, multiple submitters, no conflicts (2 of 4 stars). 2 submissions from 2 submitters: Likely benign (2). Last evaluated 2026-03-01.

Allele frequency attached by ClinVar (database versions not stated): gnomAD 0.00003 and 0.00005; gnomAD exomes 0.00004; ExAC 0.00007; TOPMed 0.00007; ESP Exome Variant Server 0.00015.
gnomAD v4.1: 76 of 1,612,754 alleles (0.0047%); highest among the groups gnomAD compares: Middle Eastern, 0.049%; no homozygotes.

Submissions (2):

CeGaT Center for Human Genetics Tuebingen
Classification: Likely benign. Last evaluated: 2026-03-01. Review status: criteria provided, single submitter. Criteria: CeGaT Center For Human Genetics Tuebingen Variant Classification Criteria Version 2. Collection method: clinical testing. Allele origin: germline. Affected: yes. Observed: 1 variant allele.
Comment: ASPM: BP4, BP7

Labcorp Genetics (formerly Invitae), Labcorp
Classification: Likely benign. Last evaluated: 2025-10-06. Review status: criteria provided, single submitter. Criteria: Invitae Variant Classification Sherloc (09022015). Collection method: clinical testing. Allele origin: germline.